The following is an entry in ClinVar:

NM_001378477.3(NYX):c.796C>T (p.Arg266Cys)

Gene: NYX (nyctalopin; plus strand). Cytogenetic location: Xp11.4.
Variant type: single nucleotide variant.
Coding change: c.796C>T on transcript NM_001378477.3 (MANE Select); coding-DNA position 796, C replaced by T.
Protein change: p.Arg266Cys; replaces arginine 266 with cysteine.
Molecular consequence: missense variant.
Genome position (GRCh38, 1-based): chrX:41,474,264, C>T. VCF-style: chrX-41474264-C-T. GRCh37 (hg19) VCF-style: chrX-41333517-C-T.
Other names: c.796C>T, p.Arg266Cys (NM_022567.3); short protein forms R271C, R266C.
Identifiers: ClinVar variation 849242 (VCV000849242.13), dbSNP rs369077278, ClinGen allele CA10389861.

ClinVar aggregate classification (germline): Conflicting classifications of pathogenicity. Review status: criteria provided, conflicting classifications (1 of 4 stars). 6 submissions from 6 submitters: Uncertain significance (3); Likely benign (1). 2 of the submissions do not count toward it. Last evaluated 2026-01-06.

Conditions:
Inborn genetic diseases. Identifiers: MedGen C0950123, MeSH D030342.
NYX-related disorder. Also called: NYX-related condition.

Allele frequency attached by ClinVar (database versions not stated): TOPMed 0.00007; gnomAD 0.00009 and 0.00012; gnomAD exomes 0.00011 and 0.00013; ExAC 0.00013; ESP Exome Variant Server 0.00019.
gnomAD v4.1: 161 of 1,204,003 alleles (0.013%); highest among the groups gnomAD compares: Middle Eastern, 0.39%; no homozygotes.

Submissions (6):

Labcorp Genetics (formerly Invitae), Labcorp
Classification: Uncertain significance. Last evaluated: 2026-01-06. Review status: criteria provided, single submitter. Criteria: Invitae Variant Classification Sherloc (09022015). Collection method: clinical testing. Allele origin: germline.
Comment: This sequence change replaces arginine, which is basic and polar, with cysteine, which is neutral and slightly polar, at codon 271 of the NYX protein (p.Arg271Cys). This variant is present in population databases (rs369077278, gnomAD 0.05%), and has an allele count higher than expected for a pathogenic variant. This missense change has been observed in individual(s) with NYX-related conditions (internal data). ClinVar contains an entry for this variant (Variation ID: 849242). Invitae Evidence Modeling of protein sequence and biophysical properties (such as structural, functional, and spatial information, amino acid conservation, physicochemical variation, residue mobility, and thermodynamic stability) indicates that this missense variant is not expected to disrupt NYX protein function with a negative predictive value of 80%. In summary, the available evidence is currently insufficient to determine the role of this variant in disease. Therefore, it has been classified as a Variant of Uncertain Significance.

PreventionGenetics, part of Exact Sciences
Classification: Uncertain significance for NYX-related condition. Last evaluated: 2025-12-11. Review status: criteria provided, single submitter. Criteria: ACMG Guidelines, 2015. Collection method: clinical testing. Allele origin: germline.
Comment: The NYX c.811C>T variant is predicted to result in the amino acid substitution p.Arg271Cys. To our knowledge, this variant has not been reported in the literature. This variant is reported in 0.048% of alleles in individuals of South Asian descent in gnomAD, including 13 hemizygotes, which is likely too frequent to be consistent with disease. Although we suspect that this variant may be benign, at this time, the clinical significance of this variant is uncertain due to the absence of conclusive functional and genetic evidence.

Ambry Genetics
Classification: Uncertain significance for Inborn genetic diseases. Last evaluated: 2024-06-18. Review status: criteria provided, single submitter. Criteria: Ambry Variant Classification Scheme 2023. Collection method: clinical testing. Allele origin: germline.

Blueprint Genetics
Classification: Likely benign. Last evaluated: 2023-08-22. Review status: criteria provided, single submitter. Criteria: ACMG Guidelines, 2015. Collection method: clinical testing. Allele origin: germline.

Clinical Genetics DNA and cytogenetics Diagnostics Lab, Erasmus MC, Erasmus Medical Center
Classification: Likely benign. Review status: no assertion criteria provided. Collection method: clinical testing. Allele origin: germline. Affected: yes. Study: VKGL Data-share Consensus. Not counted in ClinVar's aggregate classification.

Laboratory of Diagnostic Genome Analysis, Leiden University Medical Center (LUMC)
Classification: Likely benign. Review status: no assertion criteria provided. Collection method: clinical testing. Allele origin: germline. Affected: yes. Study: VKGL Data-share Consensus. Not counted in ClinVar's aggregate classification.